The following is an entry in ClinVar:

NM_001374736.1(DST):c.2256A>T (p.Ser752=)

Gene: DST (dystonin; minus strand). Cytogenetic location: 6p12.1.
Variant type: single nucleotide variant.
Coding change: c.2256A>T on transcript NM_001374736.1 (MANE Select); coding-DNA position 2256, A replaced by T.
Protein change: p.Ser752=; no amino-acid change (serine 752 retained).
Molecular consequence: synonymous variant.
Genome position (GRCh38, 1-based): chr6:56,640,377, T>A on the plus strand (A>T on the coding strand, the complement: DST is on the minus strand). VCF-style: chr6-56640377-T-A. GRCh37 (hg19) VCF-style: chr6-56505175-T-A.
Other names: p.Ser215=; c.2157A>T, p.Ser719= (NM_001144769.5); c.1743A>T, p.Ser581= (NM_001144770.2); c.2256A>T, p.Ser752= (NM_001374722.1); c.1623A>T, p.Ser541= (NM_001374729.1, NM_001374730.1, NM_001386100.1 and 1 more transcripts); c.2283A>T, p.Ser761= (NM_001374734.1); c.645A>T, p.Ser215= (NM_001723.7, NM_015548.5).
Identifiers: ClinVar variation 357617 (VCV000357617.45), dbSNP rs113432929, ClinGen allele CA3871462.

ClinVar aggregate classification (germline): Benign/Likely benign. Review status: criteria provided, multiple submitters, no conflicts (2 of 4 stars). 7 submissions from 7 submitters: Benign (3); Likely benign (2). 2 of the submissions do not count toward it. Last evaluated 2026-09-01.

Conditions:
Hereditary sensory and autonomic neuropathy type 6. Also called: HSAN VI; Neuropathy, hereditary sensory and autonomic, type VI. Identifiers: Orphanet 314381, MedGen C3539003, MONDO:0013839, OMIM 614653.
Epidermolysis bullosa simplex 3, localized or generalized intermediate, with BP230 deficiency (EBS3). Also called: Epidermolysis bullosa simplex, autosomal recessive 2; Epidermolysis bullosa simplex due to BP230 deficiency. Identifiers: Orphanet 412181, MedGen C3809470, MONDO:0014180, OMIM 615425.

Allele frequency attached by ClinVar (database versions not stated): 1000 Genomes Project 30x 0.00203; 1000 Genomes Project 0.00220; gnomAD 0.00225 and 0.00265; TOPMed 0.00257; ESP Exome Variant Server 0.00308; gnomAD exomes 0.00310 and 0.00411; ExAC 0.00428.
gnomAD v4.1: 4,996 of 1,614,140 alleles (0.31%); highest among the groups gnomAD compares: Middle Eastern, 1.6%; 43 homozygotes.

Submissions (7):

CeGaT Center for Human Genetics Tuebingen
Classification: Benign. Last evaluated: 2026-09-01. Review status: criteria provided, single submitter. Criteria: CeGaT Center For Human Genetics Tuebingen Variant Classification Criteria Version 2. Collection method: clinical testing. Allele origin: germline. Affected: yes. Observed: 17 variant alleles.
Comment: DST: BP4, BP7, BS1, BS2

Labcorp Genetics (formerly Invitae), Labcorp
Classification: Benign for Epidermolysis bullosa simplex 3, localized or generalized intermediate, with BP230 deficiency; Hereditary sensory and autonomic neuropathy type 6. Last evaluated: 2026-01-20. Review status: criteria provided, single submitter. Criteria: Invitae Variant Classification Sherloc (09022015). Collection method: clinical testing. Allele origin: germline.

GeneDx
Classification: Likely benign. Last evaluated: 2021-06-19. Review status: criteria provided, single submitter. Criteria: GeneDx Variant Classification Process June 2021. Collection method: clinical testing. Allele origin: germline. Affected: yes.

Mayo Clinic Laboratories, Mayo Clinic
Classification: Benign. Last evaluated: 2020-05-01. Review status: criteria provided, single submitter. Criteria: ACMG Guidelines, 2015. Collection method: clinical testing. Allele origin: germline. Observed: 14 variant alleles.

Clinical Genetics DNA and cytogenetics Diagnostics Lab, Erasmus MC, Erasmus Medical Center
Classification: Likely benign for Hereditary sensory and autonomic neuropathy type 6. Last evaluated: 2017-06-28. Review status: criteria provided, single submitter. Criteria: ACGS Guidelines, 2013. Collection method: clinical testing. Allele origin: germline. Affected: yes. Study: VKGL Data-share Consensus.

Clinical Genetics, Academic Medical Center
Classification: Benign. Review status: no assertion criteria provided. Collection method: clinical testing. Allele origin: germline. Affected: yes. Study: VKGL Data-share Consensus. Not counted in ClinVar's aggregate classification.

Genome Diagnostics Laboratory, University Medical Center Utrecht
Classification: Likely benign. Review status: no assertion criteria provided. Collection method: clinical testing. Allele origin: germline. Affected: yes. Study: VKGL Data-share Consensus. Not counted in ClinVar's aggregate classification.